The following is an entry in ClinVar:

NM_002529.4(NTRK1):c.212+2T>C

Gene: NTRK1 (neurotrophic receptor tyrosine kinase 1; plus strand). Cytogenetic location: 1q23.1.
Variant type: single nucleotide variant.
Coding change: c.212+2T>C on transcript NM_002529.4 (MANE Select); the canonical splice donor site of the intron after coding-DNA position 212, T replaced by C.
Molecular consequence: splice donor variant. On other transcripts: intron variant (1).
Genome position (GRCh38, 1-based): chr1:156,861,148, T>C. VCF-style: chr1-156861148-T-C. GRCh37 (hg19) VCF-style: chr1-156830940-T-C.
Other names: c.123-3206T>C (NM_001007792.1); c.212+2T>C (NM_001012331.2).
Identifiers: ClinVar variation 2870471 (VCV002870471.3), dbSNP rs2525559133, ClinGen allele CA342930241.
Genomic context (GRCh38, chr1:156,861,148, plus strand): 5'-CGGGATGGGGCCCTGGATAGCCTCCACCACCTGCCCGGCGCAGAGAACCTGACTGAGCTG[T>C]GAGTGTCCGGCGGGCGGTGGGGGGGCGCGGGGACAGGCAGGCATTGCAGTGCCCCGAGGG-3'

ClinVar aggregate classification (germline): Likely pathogenic (1 of 4 stars; one submission).

Conditions:
Hereditary insensitivity to pain with anhidrosis (CIPA). Also called: HSAN Type IV; NTRK1 Congenital Insensitivity to Pain with Anhidrosis; INSENSITIVITY TO PAIN, CONGENITAL, WITH ANHIDROSIS; hereditary sensory and autonomic neuropathy type 4; FAMILIAL DYSAUTONOMIA, TYPE II; NEUROPATHY, CONGENITAL SENSORY, WITH ANHIDROSIS. Identifiers: Orphanet 642, MedGen C0020074, MONDO:0009746, OMIM 256800.

Submission:

Labcorp Genetics (formerly Invitae), Labcorp
Classification: Likely pathogenic for Hereditary insensitivity to pain with anhidrosis. Last evaluated: 2023-10-07. Review status: criteria provided, single submitter. Criteria: Invitae Variant Classification Sherloc (09022015). Collection method: clinical testing. Allele origin: germline.
Comment: This sequence change affects a donor splice site in intron 1 of the NTRK1 gene. It is expected to disrupt RNA splicing. Variants that disrupt the donor or acceptor splice site typically lead to a loss of protein function (PMID: 16199547), and loss-of-function variants in NTRK1 are known to be pathogenic (PMID: 10982191). This variant is not present in population databases (gnomAD no frequency). Disruption of this splice site has been observed in individual(s) with congenital insensitivity to pain with anhidrosis (PMID: 32369273). Algorithms developed to predict the effect of sequence changes on RNA splicing suggest that this variant may disrupt the consensus splice site. In summary, the currently available evidence indicates that the variant is pathogenic, but additional data are needed to prove that conclusively. Therefore, this variant has been classified as Likely Pathogenic.

Literature cited by the submitters: PubMed 16199547; PubMed 10982191; PubMed 32369273.